The following is an entry in ClinVar:

ClinVar aggregate classification (germline): Conflicting classifications of pathogenicity. Review status: criteria provided, conflicting classifications (1 of 4 stars). 4 submissions from 4 submitters: Likely pathogenic (2); Uncertain significance (1). 1 of the submissions does not count toward it. Last evaluated 2026-03-12.

Conditions:
DUOX2-related disorder. Also called: DUOX2-related condition.

Allele frequency attached by ClinVar (database versions not stated): gnomAD 0.00022 and 0.00023; gnomAD exomes 0.00027 and 0.00025; ESP Exome Variant Server 0.00008; TOPMed 0.00016; ExAC 0.00030.
gnomAD v4.1: 423 of 1,613,910 alleles (0.026%); highest among the groups gnomAD compares: Non-Finnish European, 0.032%; no homozygotes.

Submissions (4):

Dasa
Classification: Likely pathogenic. Last evaluated: 2026-03-12. Review status: criteria provided, single submitter. Criteria: DASA Assertion Criteria. Collection method: clinical testing. Allele origin: germline.
Comment: NM_001363711.2(DUOX2):c.1516G>A (p.Asp506Asn) is a missense variant that results in the substitution of aspartic acid with asparagine. This variant has been recurrently observed in individuals with DUOX2-related disorders (PMID: 28666341; PMID: 28648510; PMID: 20187165; PMID: 17121535). Functional evidence supports an impact on the gene or gene product. Also, this variant is rare in population databases. Based on the currently available evidence, this variant is classified as likely pathogenic.

Labcorp Genetics (formerly Invitae), Labcorp
Classification: Uncertain significance. Last evaluated: 2025-12-28. Review status: criteria provided, single submitter. Criteria: Invitae Variant Classification Sherloc (09022015). Collection method: clinical testing. Allele origin: germline.
Comment: This sequence change replaces aspartic acid, which is acidic and polar, with asparagine, which is neutral and polar, at codon 506 of the DUOX2 protein (p.Asp506Asn). This variant is present in population databases (rs200134167, gnomAD 0.05%). This missense change has been observed in individual(s) with congenital primary hypothyroidism (PMID: 17121535, 28666341). In at least one individual the data is consistent with being in trans (on the opposite chromosome) from a pathogenic variant. ClinVar contains an entry for this variant (Variation ID: 1382058). Invitae Evidence Modeling of protein sequence and biophysical properties (such as structural, functional, and spatial information, amino acid conservation, physicochemical variation, residue mobility, and thermodynamic stability) indicates that this missense variant is not expected to disrupt DUOX2 protein function with a negative predictive value of 80%. Experimental studies have shown that this missense change affects DUOX2 function (PMID: 17374849). In summary, the available evidence is currently insufficient to determine the role of this variant in disease. Therefore, it has been classified as a Variant of Uncertain Significance.

GeneDx
Classification: Likely pathogenic. Last evaluated: 2025-04-02. Review status: criteria provided, single submitter. Criteria: GeneDx Variant Classification Process June 2021. Collection method: clinical testing. Allele origin: germline. Affected: yes.
Comment: Published functional studies demonstrate a damaging effect of a decrease in protein expression and a significant decrease of cell signal in the plasma membrane compared with wild-type levels (PMID: 17374849); In silico analysis supports that this missense variant has a deleterious effect on protein structure/function; This variant is associated with the following publications: (PMID: 19789206, 28666341, 17684392, 29435108, 24853759, 34200080, 33651715, 17121535, 17374849, 39787321)

PreventionGenetics, part of Exact Sciences
Classification: Uncertain significance for DUOX2-related condition. Last evaluated: 2024-06-25. Review status: no assertion criteria provided. Collection method: clinical testing. Allele origin: germline. Not counted in ClinVar's aggregate classification.
Comment: The DUOX2 c.1516G>A variant is predicted to result in the amino acid substitution p.Asp506Asn. This variant was reported in individuals with autosomal recessive congenital hypothyroidism (Pfarr et al. 2006. PubMed ID: 17121535; Grasberger et al. 2007. PubMed ID: 17374849; Kizys et al. 2017. PubMed ID: 28666341). Functional studies also indicate this variant impacts protein localization (Grasberger et al. 2007. PubMed ID: 17374849). This variant is reported in 0.047% of alleles in individuals of European (Non-Finnish) descent in gnomAD. While we suspect this variant could be pathogenic, at this time the clinical significance of this variant is uncertain due to the absence of conclusive functional and genetic evidence.

Literature cited by the submitters: PubMed 28666341 (cited by Dasa and Labcorp Genetics (formerly Invitae), Labcorp); PubMed 28648510 (cited by Dasa); PubMed 20187165 (cited by Dasa); PubMed 17121535 (cited by Dasa and Labcorp Genetics (formerly Invitae), Labcorp); PubMed 17374849 (cited by Dasa and Labcorp Genetics (formerly Invitae), Labcorp).

NM_001363711.2(DUOX2):c.1516G>A (p.Asp506Asn)

Gene: DUOX2 (dual oxidase 2; minus strand). Cytogenetic location: 15q21.1.
Variant type: single nucleotide variant.
Coding change: c.1516G>A on transcript NM_001363711.2 (MANE Select); coding-DNA position 1516, G replaced by A.
Protein change: p.Asp506Asn; replaces aspartic acid 506 with asparagine.
Molecular consequence: missense variant.
Genome position (GRCh38, 1-based): chr15:45,108,105, C>T on the plus strand (G>A on the coding strand, the complement: DUOX2 is on the minus strand). VCF-style: chr15-45108105-C-T. GRCh37 (hg19) VCF-style: chr15-45400303-C-T.
Other names: c.1516G>A, p.Asp506Asn (NM_014080.5); short protein forms D506N.
Identifiers: ClinVar variation 1382058 (VCV001382058.12), dbSNP rs200134167, ClinGen allele CA7538591.